The following is an entry in ClinVar:

NM_018486.3(HDAC8):c.814G>A (p.Asp272Asn)

Gene: HDAC8 (histone deacetylase 8; minus strand). Cytogenetic location: Xq13.1.
Variant type: single nucleotide variant.
Coding change: c.814G>A on transcript NM_018486.3 (MANE Select); coding-DNA position 814, G replaced by A.
Protein change: p.Asp272Asn; replaces aspartic acid 272 with asparagine.
Molecular consequence: missense variant. On other transcripts: non-coding transcript variant (1).
Genome position (GRCh38, 1-based): chrX:72,464,655, C>T on the plus strand (G>A on the coding strand, the complement: HDAC8 is on the minus strand). VCF-style: chrX-72464655-C-T. GRCh37 (hg19) VCF-style: chrX-71684505-C-T.
Other names: c.541G>A, p.Asp181Asn (NM_001166418.2, NM_001410728.1); c.814G>A, p.Asp272Asn (NM_001410725.1, NM_001410729.1); c.736G>A, p.Asp246Asn (NM_001410727.1); short protein forms D181N, D246N, D272N.
Identifiers: ClinVar variation 3382629 (VCV003382629.2).

ClinVar aggregate classification (germline): Uncertain significance (1 of 4 stars; one submission).

Conditions:
Cornelia de Lange syndrome 5 (CDLS5). Also called: HDAC8-Related Cornelia de Lange Syndrome. Identifiers: Orphanet 199, MedGen C3550903, MONDO:0010471, OMIM 300882.

Submission:

Juno Genomics, Hangzhou Juno Genomics, Inc
Classification: Uncertain significance for Cornelia de Lange syndrome 5. Review status: criteria provided, single submitter. Criteria: ACMG Guidelines, 2015. Collection method: clinical testing. Allele origin: germline. Affected: yes.
Comment: Absent from controls (or at extremely low frequency if recessive) in Genome Aggregation Database, Exome Sequencing Project, 1000 Genomes Project, or Exome Aggregation Consortium.;Multiple lines of computational evidence support a deleterious effect on the gene or gene product (conservation, evolutionary, splicing impact, etc).;Patient's phenotype or family history is highly specific for a disease with a single genetic etiology.